The following is an entry in ClinVar:

NM_020117.11(LARS1):c.213+263T>C

Gene: LARS1 (leucyl-tRNA synthetase 1; minus strand). Cytogenetic location: 5q32.
Variant type: single nucleotide variant.
Coding change: c.213+263T>C on transcript NM_020117.11 (MANE Select); 263 bases into the intron after coding-DNA position 213, T replaced by C.
Molecular consequence: intron variant.
Genome position (GRCh38, 1-based): chr5:146,172,424, A>G on the plus strand (T>C on the coding strand, the complement: LARS1 is on the minus strand). VCF-style: chr5-146172424-A-G. GRCh37 (hg19) VCF-style: chr5-145551987-A-G.
Other names: c.51+263T>C (NM_001317965.2); c.213+263T>C (NM_016460.4, NM_001317964.2).
Identifiers: ClinVar variation 669991 (VCV000669991.1), dbSNP rs11952228, ClinGen allele CA128866904.

ClinVar aggregate classification (germline): Benign (1 of 4 stars; one submission).

Allele frequency attached by ClinVar (database versions not stated): 1000 Genomes Project 30x 0.18067; 1000 Genomes Project 0.18171; gnomAD 0.22140 and 0.22234; TOPMed 0.22144.
gnomAD v4.1: 33,811 of 151,812 alleles (22%); highest among the groups gnomAD compares: Admixed American, 34%; 4,819 homozygotes.

Submission:

GeneDx
Classification: Benign. Last evaluated: 2018-06-14. Review status: criteria provided, single submitter. Criteria: GeneDx Variant Classification (06012015). Collection method: clinical testing. Allele origin: germline. Affected: yes.
Comment: This variant is considered likely benign or benign based on one or more of the following criteria: it is a conservative change, it occurs at a poorly conserved position in the protein, it is predicted to be benign by multiple in silico algorithms, and/or has population frequency not consistent with disease.